The following is an entry in ClinVar:

ClinVar aggregate classification (germline): Uncertain significance (1 of 4 stars; one submission).

Conditions:
Arrhythmogenic cardiomyopathy with wooly hair and keratoderma. Also called: PALMOPLANTAR KERATODERMA WITH LEFT VENTRICULAR CARDIOMYOPATHY AND WOOLLY HAIR; Carvajal syndrome; Dilated cardiomyopathy with woolly hair and keratoderma; Arrhythmogenic cardiomyopathy with woolly hair and keratoderma. Identifiers: Orphanet 65282, MedGen C1854063, MONDO:0011581, OMIM 605676.

Submission:

All of Us Research Program, National Institutes of Health
Classification: Uncertain significance for Arrhythmogenic cardiomyopathy with wooly hair and keratoderma. Last evaluated: 2023-06-26. Review status: criteria provided, single submitter. Criteria: ACMG Guidelines, 2015. Collection method: clinical testing. Allele origin: germline. Inheritance: Autosomal dominant inheritance. Observed: 1 variant allele, 1 heterozygote.
Comment: This missense variant replaces arginine with threonine at codon 561 of the DSP protein. Computational prediction suggests that this variant may not impact protein structure and function (internally defined REVEL score threshold <= 0.5, PMID: 27666373). To our knowledge, functional studies have not been reported for this variant. This variant has not been reported in individuals affected with DSP-related disorders in the literature. This variant has not been identified in the general population by the Genome Aggregation Database (gnomAD). The available evidence is insufficient to determine the role of this variant in disease conclusively. Therefore, this variant is classified as a Variant of Uncertain Significance.

This study involves interpretation of variants in research participants for the purpose of population health screening. Participant phenotype was not available at the time of variant classification. Additional details can be found in publication PMID: 35346344, PMCID: PMC8962531

NM_004415.4(DSP):c.1682G>C (p.Arg561Thr)

Gene: DSP (desmoplakin; plus strand). Cytogenetic location: 6p24.3.
Variant type: single nucleotide variant.
Coding change: c.1682G>C on transcript NM_004415.4 (MANE Select); coding-DNA position 1682, G replaced by C.
Protein change: p.Arg561Thr; replaces arginine 561 with threonine.
Molecular consequence: missense variant.
Genome position (GRCh38, 1-based): chr6:7,570,544, G>C. VCF-style: chr6-7570544-G-C. GRCh37 (hg19) VCF-style: chr6-7570777-G-C.
Other names: c.1682G>C, p.Arg561Thr (NM_001008844.3, NM_001319034.2); short protein forms R561T.
Identifiers: ClinVar variation 3071776 (VCV003071776.1), dbSNP rs2533890674, ClinGen allele CA362678457.